The following is an entry in ClinVar:

NM_000038.6(APC):c.5317A>C (p.Thr1773Pro)

Gene: APC (APC regulator of Wnt signaling pathway; plus strand). Cytogenetic location: 5q22.2.
Variant type: single nucleotide variant.
Coding change: c.5317A>C on transcript NM_000038.6 (MANE Select); coding-DNA position 5317, A replaced by C.
Protein change: p.Thr1773Pro; replaces threonine 1773 with proline.
Molecular consequence: missense variant.
Genome position (GRCh38, 1-based): chr5:112,840,911, A>C. VCF-style: chr5-112840911-A-C. GRCh37 (hg19) VCF-style: chr5-112176608-A-C.
Other names: c.5317A>C, p.Thr1773Pro (NM_001127510.3, NM_001354895.2); c.5263A>C, p.Thr1755Pro (NM_001127511.3); c.5371A>C, p.Thr1791Pro (NM_001354896.2); c.5347A>C, p.Thr1783Pro (NM_001354897.2); c.5242A>C, p.Thr1748Pro (NM_001354898.2); c.5233A>C, p.Thr1745Pro (NM_001354899.2); c.5194A>C, p.Thr1732Pro (NM_001354900.2); c.5140A>C, p.Thr1714Pro (NM_001354901.2); and 5 more; short protein forms T1490P, T1613P, T1647P, T1672P, T1682P, T1714P, T1732P, T1745P.
Identifiers: ClinVar variation 1332383 (VCV001332383.2), dbSNP rs1765922734, ClinGen allele CA16032957.

ClinVar aggregate classification (germline): Uncertain significance (1 of 4 stars; one submission).

Conditions:
Hereditary cancer-predisposing syndrome. Also called: Tumor predisposition; Hereditary Cancer Syndrome; Neoplastic Syndromes, Hereditary; Hereditary neoplastic syndrome. Identifiers: Orphanet 140162, MedGen C0027672, MeSH D009386, MONDO:0015356.

Submission:

Color Diagnostics, LLC DBA Color Health
Classification: Uncertain significance for Hereditary cancer-predisposing syndrome. Last evaluated: 2021-03-22. Review status: criteria provided, single submitter. Criteria: ACMG Guidelines, 2015. Collection method: clinical testing. Allele origin: germline.
Comment: This missense variant replaces threonine with proline at codon 1773 of the APC protein. Computational prediction suggests that this variant may not impact protein structure and function (internally defined REVEL score threshold <= 0.5, PMID: 27666373). To our knowledge, functional studies have not been reported for this variant. This variant has not been reported in individuals affected with hereditary cancer in the literature. This variant has not been identified in the general population by the Genome Aggregation Database (gnomAD). The available evidence is insufficient to determine the role of this variant in disease conclusively. Therefore, this variant is classified as a Variant of Uncertain Significance.